The following is an entry in ClinVar:

NM_139076.3(ABRAXAS1):c.409C>T (p.Pro137Ser)

Gene: ABRAXAS1 (abraxas 1, BRCA1 A complex subunit; minus strand). Cytogenetic location: 4q21.23.
Variant type: single nucleotide variant.
Coding change: c.409C>T on transcript NM_139076.3 (MANE Select); coding-DNA position 409, C replaced by T.
Protein change: p.Pro137Ser; replaces proline 137 with serine.
Molecular consequence: missense variant.
Genome position (GRCh38, 1-based): chr4:83,470,270, G>A on the plus strand (C>T on the coding strand, the complement: ABRAXAS1 is on the minus strand). VCF-style: chr4-83470270-G-A. GRCh37 (hg19) VCF-style: chr4-84391423-G-A.
Other names: c.82C>T, p.Pro28Ser (NM_001345962.2); short protein forms P137S, P28S.
Identifiers: ClinVar variation 1800086 (VCV001800086.2), dbSNP rs2110039703, ClinGen allele CA357259805.
Genomic context (GRCh38, chr4:83,470,270, plus strand): 5'-GAGGTTTATATAAGGAATGTTCCAGTCGATGAGTAGAGCAGCTTTCTGTTATTATACTTG[G>A]TGTTAATAGCAGAAAAACAAGGTCTTGGTTTGAAAAATGCTCCTGCAAGTTTTTGTGAAG-3'
Protein context (NP_620775.2, residues 127-147): NQDLVFLLLT[Pro137Ser]SIITESCSTH

ClinVar aggregate classification (germline): Uncertain significance (1 of 4 stars; one submission).

Submission:

Ambry Genetics
Classification: Uncertain significance. Last evaluated: 2022-04-06. Review status: criteria provided, single submitter. Criteria: Ambry Variant Classification Scheme 2023. Collection method: clinical testing. Allele origin: germline.
Comment: The p.P137S variant (also known as c.409C>T), located in coding exon 5 of the FAM175A gene, results from a C to T substitution at nucleotide position 409. The proline at codon 137 is replaced by serine, an amino acid with similar properties. This amino acid position is conserved. In addition, this alteration is predicted to be tolerated by in silico analysis. Since supporting evidence is limited at this time, the clinical significance of this alteration remains unclear.